The following is an entry in ClinVar:

ClinVar aggregate classification (germline): Uncertain significance (1 of 4 stars; one submission).

Conditions:
Episodic ataxia type 1 (EA1). Also called: PAROXYSMAL ATAXIA WITH NEUROMYOTONIA, HEREDITARY; Episodic ataxia/myokymia syndrome; ATAXIA, EPISODIC, WITH MYOKYMIA; MYOKYMIA WITH PERIODIC ATAXIA. Identifiers: Orphanet 37612, Orphanet 972, MedGen C1719788, MONDO:0008047, OMIM 160120.

Submission:

Labcorp Genetics (formerly Invitae), Labcorp
Classification: Uncertain significance for Episodic ataxia type 1. Last evaluated: 2025-08-17. Review status: criteria provided, single submitter. Criteria: Invitae Variant Classification Sherloc (09022015). Collection method: clinical testing. Allele origin: germline.
Comment: This sequence change replaces valine, which is neutral and non-polar, with isoleucine, which is neutral and non-polar, at codon 202 of the KCNA1 protein (p.Val202Ile). This variant is not present in population databases (gnomAD no frequency). This variant has not been reported in the literature in individuals affected with KCNA1-related conditions. Invitae Evidence Modeling of protein sequence and biophysical properties (such as structural, functional, and spatial information, amino acid conservation, physicochemical variation, residue mobility, and thermodynamic stability) indicates that this missense variant is not expected to disrupt KCNA1 protein function with a negative predictive value of 80%. In summary, the available evidence is currently insufficient to determine the role of this variant in disease. Therefore, it has been classified as a Variant of Uncertain Significance.

NM_000217.3(KCNA1):c.604G>A (p.Val202Ile)

Gene: KCNA1 (potassium voltage-gated channel subfamily A member 1; plus strand). Cytogenetic location: 12p13.32.
Variant type: single nucleotide variant.
Coding change: c.604G>A on transcript NM_000217.3 (MANE Select); coding-DNA position 604, G replaced by A.
Protein change: p.Val202Ile; replaces valine 202 with isoleucine.
Molecular consequence: missense variant.
Genome position (GRCh38, 1-based): chr12:4,911,982, G>A. VCF-style: chr12-4911982-G-A. GRCh37 (hg19) VCF-style: chr12-5021148-G-A.
Other names: short protein forms V202I.
Identifiers: ClinVar variation 4764368 (VCV004764368.1).
Genomic context (GRCh38, chr12:4,911,982, plus strand): 5'-GTCATCTTTTGCCTGGAGACGCTCCCCGAGCTGAAGGATGACAAGGACTTCACGGGCACC[G>A]TCCACCGCATCGACAACACCACGGTCATCTACAATTCCAACATCTTCACAGACCCCTTCT-3'
Protein context (NP_000208.2, residues 192-212): LKDDKDFTGT[Val202Ile]HRIDNTTVIY